The following is an entry in ClinVar:

NM_001042492.3(NF1):c.2033_2034delinsA (p.Pro678fs)

Gene: NF1 (neurofibromin 1; plus strand). Cytogenetic location: 17q11.2.
Variant type: Indel.
Coding change: c.2033_2034delinsA on transcript NM_001042492.3 (MANE Select); coding-DNA positions 2033 to 2034, CG replaced by A.
Protein change: p.Pro678fs; shifts the reading frame from proline 678.
Molecular consequence: frameshift variant.
Genome position (GRCh38, 1-based): chr17:31,226,466-31,226,467, CG replaced by A. VCF-style: chr17-31226466-CG-A. GRCh37 (hg19) VCF-style: chr17-29553484-CG-A.
Other names: c.2033_2034delCGinsA (NM_000267.3); c.2033_2034delCGinsA, p.Pro678Glnfs (NM_000267.4); short protein forms P678fs.
Identifiers: ClinVar variation 1203954 (VCV001203954.9), dbSNP rs2151425601, ClinGen allele CA2499224041.

ClinVar aggregate classification (germline): Pathogenic. Review status: criteria provided, multiple submitters, no conflicts (2 of 4 stars). 2 submissions from 2 submitters: Pathogenic (2). Last evaluated 2024-08-14.

Conditions:
Hereditary cancer-predisposing syndrome. Also called: Neoplastic Syndromes, Hereditary; Hereditary neoplastic syndrome; Hereditary Cancer Syndrome; Tumor predisposition. Identifiers: Orphanet 140162, MedGen C0027672, MeSH D009386, MONDO:0015356.
Cardiovascular phenotype. Identifiers: MedGen CN230736.

Submissions (2):

GeneDx
Classification: Pathogenic. Last evaluated: 2024-08-14. Review status: criteria provided, single submitter. Criteria: GeneDx Variant Classification Process June 2021. Collection method: clinical testing. Allele origin: germline. Affected: yes.
Comment: Frameshift variant predicted to result in protein truncation or nonsense mediated decay in a gene for which loss-of-function is a known mechanism of disease; Not observed at significant frequency in large population cohorts (gnomAD); Has not been previously published as pathogenic or benign to our knowledge

Ambry Genetics
Classification: Pathogenic for Cardiovascular phenotype; Hereditary cancer-predisposing syndrome. Last evaluated: 2021-11-22. Review status: criteria provided, single submitter. Criteria: Ambry Variant Classification Scheme 2023. Collection method: clinical testing. Allele origin: germline.
Comment: The c.2033_2034delCGinsA pathogenic mutation, located in coding exon 18 of the NF1 gene, results from the deletion of two nucleotides and insertion of one nucleotide causing a translational frameshift with a predicted alternate stop codon (p.P678Qfs*10). This alteration is expected to result in loss of function by premature protein truncation or nonsense-mediated mRNA decay. As such, this alteration is interpreted as a disease-causing mutation.